The following is an entry in ClinVar:

NM_000383.4(AIRE):c.488C>A (p.Pro163His)

Gene: AIRE (autoimmune regulator; plus strand). Cytogenetic location: 21q22.3.
Variant type: single nucleotide variant.
Coding change: c.488C>A on transcript NM_000383.4 (MANE Select); coding-DNA position 488, C replaced by A.
Protein change: p.Pro163His; replaces proline 163 with histidine.
Molecular consequence: missense variant.
Genome position (GRCh38, 1-based): chr21:44,287,541, C>A. VCF-style: chr21-44287541-C-A. GRCh37 (hg19) VCF-style: chr21-45707424-C-A.
Other names: short protein forms P163H.
Identifiers: ClinVar variation 1413107 (VCV001413107.5), dbSNP rs771592755, ClinGen allele CA10051585.

ClinVar aggregate classification (germline): Uncertain significance. Review status: criteria provided, multiple submitters, no conflicts (2 of 4 stars). 2 submissions from 2 submitters: Uncertain significance (2). Last evaluated 2025-07-23.

Conditions:
Polyglandular autoimmune syndrome, type 1 (APS1). Also called: PGA I; APS I; Autoimmune polyendocrine syndrome type 1; Autoimmune polyendocrinopathy syndrome, type I; Autoimmune polyendocrinopathy syndrome , type I, with or without reversible metaphyseal dysplasia; AUTOIMMUNE POLYENDOCRINE SYNDROME, TYPE I, WITH OR WITHOUT REVERSIBLE METAPHYSEAL DYSPLASIA. Identifiers: Orphanet 3453, MedGen C0085859, MONDO:0009411, OMIM 240300.

Allele frequency attached by ClinVar (database versions not stated): gnomAD exomes 0.00004; ExAC 0.00010.
gnomAD v4.1: 16 of 1,558,592 alleles (0.001%); highest among the groups gnomAD compares: South Asian, 0.015%; no homozygotes.

Submissions (2):

Labcorp Genetics (formerly Invitae), Labcorp
Classification: Uncertain significance for Polyglandular autoimmune syndrome, type 1. Last evaluated: 2025-07-23. Review status: criteria provided, single submitter. Criteria: Invitae Variant Classification Sherloc (09022015). Collection method: clinical testing. Allele origin: germline.
Comment: This sequence change replaces proline, which is neutral and non-polar, with histidine, which is basic and polar, at codon 163 of the AIRE protein (p.Pro163His). The frequency data for this variant in the population databases is considered unreliable, as metrics indicate poor data quality at this position in the gnomAD database. This variant has not been reported in the literature in individuals affected with AIRE-related conditions. ClinVar contains an entry for this variant (Variation ID: 1413107). Invitae Evidence Modeling of protein sequence and biophysical properties (such as structural, functional, and spatial information, amino acid conservation, physicochemical variation, residue mobility, and thermodynamic stability) indicates that this missense variant is not expected to disrupt AIRE protein function with a negative predictive value of 95%. In summary, the available evidence is currently insufficient to determine the role of this variant in disease. Therefore, it has been classified as a Variant of Uncertain Significance.

Fulgent Genetics
Classification: Uncertain significance for Polyglandular autoimmune syndrome, type 1. Last evaluated: 2021-07-21. Review status: criteria provided, single submitter. Criteria: ACMG Guidelines, 2015. Collection method: clinical testing. Allele origin: unknown.